The following is an entry in ClinVar:

NM_005228.5(EGFR):c.1562G>A (p.Arg521Lys)

Gene: EGFR (epidermal growth factor receptor; plus strand). Cytogenetic location: 7p11.2.
Variant type: single nucleotide variant.
Coding change: c.1562G>A on transcript NM_005228.5 (MANE Select); coding-DNA position 1562, G replaced by A.
Protein change: p.Arg521Lys; replaces arginine 521 with lysine.
Molecular consequence: missense variant.
Genome position (GRCh38, 1-based): chr7:55,161,562, G>A. VCF-style: chr7-55161562-G-A. GRCh37 (hg19) VCF-style: chr7-55229255-G-A.
Other names: c.1562G>A (NM_005228.4); c.1427G>A, p.Arg476Lys (NM_001346897.2, NM_001346899.2); c.1562G>A, p.Arg521Lys (NM_001346898.2, NM_201282.2, NM_201284.2); c.1403G>A, p.Arg468Lys (NM_001346900.2); c.761G>A, p.Arg254Lys (NM_001346941.2); short protein forms R521K, R468K, R254K, R476K.
Identifiers: ClinVar variation 134021 (VCV000134021.25), dbSNP rs2227983, ClinGen allele CA158441.

ClinVar aggregate classification (germline): Benign/Likely benign. Review status: criteria provided, multiple submitters, no conflicts (2 of 4 stars). 13 submissions from 13 submitters: Benign (8); Likely benign (1). 4 of the submissions do not count toward it. Last evaluated 2026-02-04.

Conditions:
Lung cancer. Also called: Lung cancer, somatic; Malignant tumor of lung. Identifiers: MedGen C0242379, MONDO:0008903, OMIM 211980.
Inflammatory skin and bowel disease, neonatal, 2 (NNCIS). Identifiers: Orphanet 294023, MedGen C4015130, MONDO:0014481, OMIM 616069.
Hereditary cancer-predisposing syndrome. Also called: Tumor predisposition; Hereditary neoplastic syndrome; Neoplastic Syndromes, Hereditary; Hereditary Cancer Syndrome. Identifiers: Orphanet 140162, MedGen C0027672, MeSH D009386, MONDO:0015356.
EGFR-related lung cancer (EGFR). Identifiers: MedGen CN130014.
Cholangiocarcinoma. Identifiers: Orphanet 70567, MedGen C0206698, MeSH D018281, MONDO:0019087, HP:0030153.

Allele frequency attached by ClinVar (database versions not stated): gnomAD 0.22212 and 0.23323; TOPMed 0.22329; gnomAD exomes 0.27101 and 0.29210; 1000 Genomes Project 30x 0.28529; ExAC 0.28696; 1000 Genomes Project 0.29213; ESP Exome Variant Server 0.20268.
gnomAD v4.1: 432,573 of 1,614,172 alleles (27%); highest among the groups gnomAD compares: East Asian, 57%; 62,725 homozygotes.

Submissions (13):

Labcorp Genetics (formerly Invitae), Labcorp
Classification: Benign for EGFR-related lung cancer. Last evaluated: 2026-02-04. Review status: criteria provided, single submitter. Criteria: Invitae Variant Classification Sherloc (09022015). Collection method: clinical testing. Allele origin: germline.

Blueprint Genetics
Classification: Likely benign. Last evaluated: 2024-11-27. Review status: criteria provided, single submitter. Criteria: ACMG Guidelines, 2015. Collection method: clinical testing. Allele origin: germline.

Ambry Genetics
Classification: Benign for Hereditary cancer-predisposing syndrome. Last evaluated: 2024-10-18. Review status: criteria provided, single submitter. Criteria: Ambry Variant Classification Scheme 2023. Collection method: clinical testing. Allele origin: germline.

KCCC/NGS Laboratory, Kuwait Cancer Control Center
Classification: Benign for Lung cancer. Last evaluated: 2023-07-07. Review status: criteria provided, single submitter. Criteria: ACMG Guidelines, 2015. Collection method: clinical testing. Allele origin: germline. Affected: yes.

Mayo Clinic Laboratories, Mayo Clinic
Classification: Benign. Last evaluated: 2021-12-29. Review status: criteria provided, single submitter. Criteria: ACMG Guidelines, 2015. Collection method: clinical testing. Allele origin: germline. Observed: 140 variant alleles.
Comment: BA1

Genome-Nilou Lab
Classification: Benign for Inflammatory skin and bowel disease, neonatal, 2. Last evaluated: 2021-07-30. Review status: criteria provided, single submitter. Criteria: ACMG Guidelines, 2015. Collection method: clinical testing. Allele origin: germline. Affected: no.

GeneDx
Classification: Benign. Last evaluated: 2019-02-11. Review status: criteria provided, single submitter. Criteria: GeneDx Variant Classification Process June 2021. Collection method: clinical testing. Allele origin: germline. Affected: yes.
Comment: This variant is associated with the following publications: (PMID: 18664296, 21292812, 19265688, 17575224, 19636371, 18726117, 24728327, 7937865, 27153395, 23594562)

Breakthrough Genomics
Classification: Benign. Review status: criteria provided, single submitter. Criteria: ACMG Guidelines, 2015. Collection method: not provided. Allele origin: germline. Inheritance: Autosomal recessive inheritance. Affected: yes.

PreventionGenetics, part of Exact Sciences
Classification: Benign. Review status: criteria provided, single submitter. Criteria: ACMG Guidelines, 2015. Collection method: clinical testing. Allele origin: germline.

Department of Surgery, Campus Charité Mitte | Campus Virchow-klinikum, Charite-Universitaetsmedizin Berlin
Classification: other for Cholangiocarcinoma. Last evaluated: 2022-12-10. Review status: no assertion criteria provided. Collection method: research. Allele origin: germline. Affected: yes. Not counted in ClinVar's aggregate classification.
Comment: No association with disease-free or overall survival after resection of intrahepatic Cholangiocarcinoma

ITMI
No classification provided. Condition: AllHighlyPenetrant. Last evaluated: 2013-09-19. Review status: no classification provided. Collection method: reference population. Allele origin: germline. Not counted in ClinVar's aggregate classification.
Comment: Please see associated publication for description of ethnicities

Diagnostic Laboratory, Department of Genetics, University Medical Center Groningen
Classification: Benign. Review status: no assertion criteria provided. Collection method: clinical testing. Allele origin: germline. Affected: yes. Study: VKGL Data-share Consensus. Not counted in ClinVar's aggregate classification.

Genome Diagnostics Laboratory, University Medical Center Utrecht
Classification: Benign. Review status: no assertion criteria provided. Collection method: clinical testing. Allele origin: germline. Affected: yes. Study: VKGL Data-share Consensus. Not counted in ClinVar's aggregate classification.

Literature cited by the submitters: PubMed 18550579 (cited by Department of Surgery, Campus Charité Mitte | Campus Virchow-klinikum, Charite-Universitaetsmedizin Berlin); PubMed 24728327 (cited by ITMI).